The following is an entry in ClinVar:

ClinVar aggregate classification (germline): Uncertain significance (1 of 4 stars; one submission).

Submission:

GeneDx
Classification: Uncertain significance. Last evaluated: 2024-06-27. Review status: criteria provided, single submitter. Criteria: GeneDx Variant Classification Process June 2021. Collection method: clinical testing. Allele origin: germline. Affected: yes.
Comment: Not observed at significant frequency in large population cohorts (gnomAD); Has not been previously published as pathogenic or benign to our knowledge; In silico analysis is inconclusive as to whether the variant alters gene splicing. In the absence of RNA/functional studies, the actual effect of this sequence change is unknown.

NM_004606.5(TAF1):c.2121+4A>C

Gene: TAF1 (TATA-box binding protein associated factor 1; plus strand). Cytogenetic location: Xq13.1.
Variant type: single nucleotide variant.
Coding change: c.2121+4A>C on transcript NM_004606.5 (MANE Select); 4 bases into the intron after coding-DNA position 2121, A replaced by C.
Molecular consequence: intron variant.
Genome position (GRCh38, 1-based): chrX:71,384,139, A>C. VCF-style: chrX-71384139-A-C. GRCh37 (hg19) VCF-style: chrX-70603989-A-C.
Other names: c.2121+4A>C (NM_001286074.2); c.2058+4A>C (NM_138923.4).
Identifiers: ClinVar variation 3392932 (VCV003392932.1).